The following is an entry in ClinVar:

NM_004260.4(RECQL4):c.3167A>G (p.Tyr1056Cys)

Gene: RECQL4 (RecQ like helicase 4; minus strand). Cytogenetic location: 8q24.3.
Variant type: single nucleotide variant.
Coding change: c.3167A>G on transcript NM_004260.4 (MANE Select); coding-DNA position 3167, A replaced by G.
Protein change: p.Tyr1056Cys; replaces tyrosine 1056 with cysteine.
Molecular consequence: missense variant.
Genome position (GRCh38, 1-based): chr8:144,512,213, T>C on the plus strand (A>G on the coding strand, the complement: RECQL4 is on the minus strand). VCF-style: chr8-144512213-T-C. GRCh37 (hg19) VCF-style: chr8-145737596-T-C.
Other names: short protein forms Y1056C.
Identifiers: ClinVar variation 847425 (VCV000847425.6), dbSNP rs773143092, ClinGen allele CA4947901.

ClinVar aggregate classification (germline): Uncertain significance (1 of 4 stars; one submission).

Conditions:
Baller-Gerold syndrome (BGS). Also called: CRANIOSYNOSTOSIS WITH RADIAL DEFECTS. Identifiers: Orphanet 1225, MedGen C0265308, MONDO:0009039, OMIM 218600.

Allele frequency attached by ClinVar (database versions not stated): gnomAD exomes below 0.00001 and 0.00001; ExAC 0.00001.
gnomAD v4.1: 4 of 1,612,404 alleles (0.00025%); highest among the groups gnomAD compares: Non-Finnish European, 0.00034%; no homozygotes.

Submission:

Labcorp Genetics (formerly Invitae), Labcorp
Classification: Uncertain significance for Baller-Gerold syndrome. Last evaluated: 2023-10-23. Review status: criteria provided, single submitter. Criteria: Invitae Variant Classification Sherloc (09022015). Collection method: clinical testing. Allele origin: germline.
Comment: This sequence change replaces tyrosine, which is neutral and polar, with cysteine, which is neutral and slightly polar, at codon 1056 of the RECQL4 protein (p.Tyr1056Cys). This variant is present in population databases (rs773143092, gnomAD 0.0009%). This variant has not been reported in the literature in individuals affected with RECQL4-related conditions. ClinVar contains an entry for this variant (Variation ID: 847425). Advanced modeling of protein sequence and biophysical properties (such as structural, functional, and spatial information, amino acid conservation, physicochemical variation, residue mobility, and thermodynamic stability) performed at Invitae indicates that this missense variant is not expected to disrupt RECQL4 protein function. In summary, the available evidence is currently insufficient to determine the role of this variant in disease. Therefore, it has been classified as a Variant of Uncertain Significance.